The following is an entry in ClinVar:

NM_033004.4(NLRP1):c.539C>T (p.Thr180Ile)

Gene: NLRP1 (NLR family pyrin domain containing 1; minus strand). Cytogenetic location: 17p13.2.
Variant type: single nucleotide variant.
Coding change: c.539C>T on transcript NM_033004.4 (MANE Select); coding-DNA position 539, C replaced by T.
Protein change: p.Thr180Ile; replaces threonine 180 with isoleucine.
Molecular consequence: missense variant.
Genome position (GRCh38, 1-based): chr17:5,581,972, G>A on the plus strand (C>T on the coding strand, the complement: NLRP1 is on the minus strand). VCF-style: chr17-5581972-G-A. GRCh37 (hg19) VCF-style: chr17-5485292-G-A.
Other names: c.539C>T, p.Thr180Ile (NM_001033053.3, NM_014922.5, NM_033006.4 and 1 more transcripts); short protein forms T180I.
Identifiers: ClinVar variation 1913076 (VCV001913076.5), dbSNP rs756406438, ClinGen allele CA8327554.
Genomic context (GRCh38, chr17:5,581,972, plus strand): 5'-TCCTGCTCTCTGGGTGCTAGGCTGGGCTGAGGTGGGGATCCCCAGCTCCCCAGCACTGCT[G>A]TGGATGTGGGGGCGTTGGGTGACTCCTGGCTTGGAGACTCATGGTCTGGGGAGCTTGGAA-3'
Protein context (NP_127497.1, residues 170-190): SQESPNAPTS[Thr180Ile]AVLGSWGSPP

ClinVar aggregate classification (germline): Uncertain significance (1 of 4 stars; one submission).

Allele frequency attached by ClinVar (database versions not stated): ExAC 0.00002; gnomAD exomes 0.00002.
gnomAD v4.1: 30 of 1,613,870 alleles (0.0019%); highest among the groups gnomAD compares: Non-Finnish European, 0.0025%; no homozygotes.

Submission:

Labcorp Genetics (formerly Invitae), Labcorp
Classification: Uncertain significance. Last evaluated: 2022-02-20. Review status: criteria provided, single submitter. Criteria: Invitae Variant Classification Sherloc (09022015). Collection method: clinical testing. Allele origin: germline.
Comment: Algorithms developed to predict the effect of missense changes on protein structure and function are either unavailable or do not agree on the potential impact of this missense change (SIFT: "Tolerated"; PolyPhen-2: "Probably Damaging"; Align-GVGD: "Class C0"). In summary, the available evidence is currently insufficient to determine the role of this variant in disease. Therefore, it has been classified as a Variant of Uncertain Significance. This variant has not been reported in the literature in individuals affected with NLRP1-related conditions. This variant is present in population databases (rs756406438, gnomAD 0.002%). This sequence change replaces threonine, which is neutral and polar, with isoleucine, which is neutral and non-polar, at codon 180 of the NLRP1 protein (p.Thr180Ile).